The following is an entry in ClinVar:

ClinVar aggregate classification (germline): Likely benign. Review status: criteria provided, single submitter (1 of 4 stars). 2 submissions from 2 submitters: Likely benign (1). 1 of the submissions does not count toward it. Last evaluated 2022-08-22.

Conditions:
PNPLA8-related disorder. Also called: PNPLA8-related condition.

Allele frequency attached by ClinVar (database versions not stated): ExAC 0.00001; gnomAD 0.00001; TOPMed 0.00001; gnomAD exomes 0.00002.
gnomAD v4.1: 25 of 1,608,922 alleles (0.0016%); highest among the groups gnomAD compares: Non-Finnish European, 0.0021%; no homozygotes.

Submissions (2):

Labcorp Genetics (formerly Invitae), Labcorp
Classification: Likely benign. Last evaluated: 2022-08-22. Review status: criteria provided, single submitter. Criteria: Invitae Variant Classification Sherloc (09022015). Collection method: clinical testing. Allele origin: germline.

PreventionGenetics, part of Exact Sciences
Classification: Likely benign for PNPLA8-related condition. Last evaluated: 2019-12-23. Review status: no assertion criteria provided. Collection method: clinical testing. Allele origin: germline. Not counted in ClinVar's aggregate classification.
Comment: This variant is classified as likely benign based on ACMG/AMP sequence variant interpretation guidelines (Richards et al. 2015 PMID: 25741868, with internal and published modifications).

NM_001256007.3(PNPLA8):c.1854T>C (p.Tyr618=)

Gene: PNPLA8 (patatin like domain 8, phospholipase A2; minus strand). Cytogenetic location: 7q31.1.
Variant type: single nucleotide variant.
Coding change: c.1854T>C on transcript NM_001256007.3 (MANE Select); coding-DNA position 1854, T replaced by C.
Protein change: p.Tyr618=; no amino-acid change (tyrosine 618 retained).
Molecular consequence: synonymous variant. On other transcripts: intron variant (1).
Genome position (GRCh38, 1-based): chr7:108,487,783, A>G on the plus strand (T>C on the coding strand, the complement: PNPLA8 is on the minus strand). VCF-style: chr7-108487783-A-G. GRCh37 (hg19) VCF-style: chr7-108128227-A-G.
Other names: c.1854T>C, p.Tyr618= (NM_001256008.3, NM_015723.5); c.1554T>C, p.Tyr518= (NM_001256010.3, NM_001256011.3); c.1692+162T>C (NM_001256009.3); c.1854T>C (NM_015723.4).
Identifiers: ClinVar variation 2178428 (VCV002178428.6), dbSNP rs767622743, ClinGen allele CA4439464.
Genomic context (GRCh38, chr7:108,487,783, plus strand): 5'-AAAATTTAAAAAAATAAGACATACAAGTCAACTTACTTGATGAAGATCATTTCCCAATGC[A>G]TATTCTGCAAAGTAGCCTGGAGCAGCAGATGAGGCTCTAATGGCCTGCCACATTTTATAC-3'
Protein context (NP_001242936.1, residues 608-628): SSAAPGYFAE[Tyr618=]ALGNDLHQDG